The following is an entry in ClinVar:

ClinVar aggregate classification (germline): Uncertain significance (1 of 4 stars; one submission).

Conditions:
Ataxia-telangiectasia syndrome (AT). Also called: LOUIS-BAR SYNDROME; Cerebello-oculocutaneous telangiectasia; Immunodeficiency with ataxia telangiectasia; Ataxia telangiectasia (A-T); Ataxia-telangiectasia, complementation group D; AT, COMPLEMENTATION GROUP C. Identifiers: Orphanet 100, MedGen C0004135, MONDO:0008840, OMIM 208900.

Allele frequency attached by ClinVar (database versions not stated): gnomAD exomes below 0.00001.
gnomAD v4.1: 1 of 1,614,120 alleles (0.000062%); highest among the groups gnomAD compares: Non-Finnish European, 0.000085%; no homozygotes.

Submission:

Labcorp Genetics (formerly Invitae), Labcorp
Classification: Uncertain significance for Ataxia-telangiectasia syndrome. Last evaluated: 2021-02-16. Review status: criteria provided, single submitter. Criteria: Invitae Variant Classification Sherloc (09022015). Collection method: clinical testing. Allele origin: germline.
Comment: Advanced modeling of protein sequence and biophysical properties (such as structural, functional, and spatial information, amino acid conservation, physicochemical variation, residue mobility, and thermodynamic stability) performed at Invitae indicates that this missense variant is not expected to disrupt ATM protein function. In summary, the available evidence is currently insufficient to determine the role of this variant in disease. Therefore, it has been classified as a Variant of Uncertain Significance. This variant has not been reported in the literature in individuals with ATM-related conditions. This variant is not present in population databases (ExAC no frequency). This sequence change replaces aspartic acid with glycine at codon 2372 of the ATM protein (p.Asp2372Gly). The aspartic acid residue is moderately conserved and there is a moderate physicochemical difference between aspartic acid and glycine.

NM_000051.4(ATM):c.7115A>G (p.Asp2372Gly)

Genes: ATM (ATM serine/threonine kinase; plus strand), C11orf65 (chromosome 11 open reading frame 65; minus strand). Cytogenetic location: 11q22.3.
Variant type: single nucleotide variant.
Coding change: c.7115A>G on transcript NM_000051.4 (MANE Select); coding-DNA position 7115, A replaced by G.
Protein change: p.Asp2372Gly; replaces aspartic acid 2372 with glycine.
Molecular consequence: missense variant. On other transcripts: intron variant (2).
Genome position (GRCh38, 1-based): chr11:108,329,046, A>G. VCF-style: chr11-108329046-A-G. GRCh37 (hg19) VCF-style: chr11-108199773-A-G.
Other names: c.7115A>G, p.Asp2372Gly (NM_001351834.2); c.641-19975T>C (NM_001330368.2); c.*38+6174T>C (NM_001351110.2); short protein forms D2372G.
Identifiers: ClinVar variation 1481225 (VCV001481225.8), dbSNP rs2085976203, ClinGen allele CA382559431.
Genomic context (GRCh38, chr11:108,329,046, plus strand): 5'-TAAATATAATTTAAATTGGTTGTGTTTTCTTGAAGGCAGTAGAAGTTGCTGGAAATTATG[A>G]TGGAGAAAGTAGTGATGAGCTAAGAAATGGAAAAATGAAGGCATTTCTCTCATTAGCCCG-3'
Protein context (NP_000042.3, residues 2362-2382): EKAVEVAGNY[Asp2372Gly]GESSDELRNG